The following is an entry in ClinVar:

ClinVar aggregate classification (germline): Benign. Review status: criteria provided, multiple submitters, no conflicts (2 of 4 stars). 2 submissions from 2 submitters: Benign (2). Last evaluated 2018-06-16.

Allele frequency attached by ClinVar (database versions not stated): TOPMed 0.02442; gnomAD 0.02799 and 0.02836; 1000 Genomes Project 30x 0.02998; 1000 Genomes Project 0.03035.
gnomAD v4.1: 4,271 of 150,878 alleles (2.8%); highest among the groups gnomAD compares: East Asian, 3.7%; 92 homozygotes.

Submissions (2):

GeneDx
Classification: Benign. Last evaluated: 2018-06-16. Review status: criteria provided, single submitter. Criteria: GeneDx Variant Classification (06012015). Collection method: clinical testing. Allele origin: germline. Affected: yes.
Comment: This variant is considered likely benign or benign based on one or more of the following criteria: it is a conservative change, it occurs at a poorly conserved position in the protein, it is predicted to be benign by multiple in silico algorithms, and/or has population frequency not consistent with disease.

Breakthrough Genomics
Classification: Benign. Review status: criteria provided, single submitter. Criteria: ACMG Guidelines, 2015. Collection method: not provided. Allele origin: germline. Inheritance: Autosomal recessive inheritance. Affected: yes.

NM_000540.3(RYR1):c.6548+195T>C

Gene: RYR1 (ryanodine receptor 1; plus strand). Cytogenetic location: 19q13.2.
Variant type: single nucleotide variant.
Coding change: c.6548+195T>C on transcript NM_000540.3 (MANE Select); 195 bases into the intron after coding-DNA position 6548, T replaced by C.
Molecular consequence: intron variant.
Genome position (GRCh38, 1-based): chr19:38,494,820, T>C. VCF-style: chr19-38494820-T-C. GRCh37 (hg19) VCF-style: chr19-38985460-T-C.
Other names: c.6548+195T>C (NM_001042723.2).
Identifiers: ClinVar variation 677674 (VCV000677674.2), dbSNP rs35968585, ClinGen allele CA308102645.